The following is an entry in ClinVar:

NM_020778.5(ALPK3):c.1944C>T (p.Ser648=)

Gene: ALPK3 (alpha kinase 3; plus strand). Cytogenetic location: 15q25.3.
Variant type: single nucleotide variant.
Coding change: c.1944C>T on transcript NM_020778.5 (MANE Select); coding-DNA position 1944, C replaced by T.
Protein change: p.Ser648=; no amino-acid change (serine 648 retained).
Molecular consequence: synonymous variant.
Genome position (GRCh38, 1-based): chr15:84,856,682, C>T. VCF-style: chr15-84856682-C-T. GRCh37 (hg19) VCF-style: chr15-85399913-C-T.
Other names: c.2550C>T (NM_020778.4).
Identifiers: ClinVar variation 3901804 (VCV003901804.2).

ClinVar aggregate classification (germline): Uncertain significance. Review status: criteria provided, multiple submitters, no conflicts (2 of 4 stars). 2 submissions from 2 submitters: Uncertain significance (2). Last evaluated 2025-09-19.

Conditions:
Cardiovascular phenotype. Identifiers: MedGen CN230736.

gnomAD v4.1: 9 of 1,613,904 alleles (0.00056%); highest among the groups gnomAD compares: Middle Eastern, 0.033%; no homozygotes.

Submissions (2):

Ambry Genetics
Classification: Uncertain significance for Cardiovascular phenotype. Last evaluated: 2025-09-19. Review status: criteria provided, single submitter. Criteria: Ambry Variant Classification Scheme 2023. Collection method: clinical testing. Allele origin: germline.
Comment: The c.2550C>T variant (also known as p.S850S), located in coding exon 6 of the ALPK3 gene, results from a C to T substitution at nucleotide position 2550. This nucleotide substitution does not change the amino acid at codon 850. This nucleotide position is poorly conserved in available vertebrate species. In silico splice site analysis predicts that this alteration may result in the creation or strengthening of a novel splice donor site. Based on the available evidence, the clinical significance of this variant remains unclear.

GeneDx
Classification: Uncertain significance. Last evaluated: 2024-12-06. Review status: criteria provided, single submitter. Criteria: GeneDx Variant Classification Process June 2021. Collection method: clinical testing. Allele origin: germline. Affected: yes.
Comment: Not observed at significant frequency in large population cohorts (gnomAD); Has not been previously published as pathogenic or benign to our knowledge; In silico analysis suggests this variant may impact gene splicing. In the absence of RNA/functional studies, the actual effect of this sequence change is unknown.